The following is an entry in ClinVar:

NM_024312.5(GNPTAB):c.3335+5G>C

Gene: GNPTAB (N-acetylglucosamine-1-phosphate transferase subunits alpha and beta; minus strand). Cytogenetic location: 12q23.2.
Variant type: single nucleotide variant.
Coding change: c.3335+5G>C on transcript NM_024312.5 (MANE Select); 5 bases into the intron after coding-DNA position 3335, G replaced by C.
Molecular consequence: intron variant.
Genome position (GRCh38, 1-based): chr12:101,757,567, C>G on the plus strand (G>C on the coding strand, the complement: GNPTAB is on the minus strand). VCF-style: chr12-101757567-C-G. GRCh37 (hg19) VCF-style: chr12-102151345-C-G.
Identifiers: ClinVar variation 1028808 (VCV001028808.1), dbSNP rs1396473895, ClinGen allele CA607597935.

ClinVar aggregate classification (germline): Uncertain significance (1 of 4 stars; one submission).

Conditions:
Mucolipidosis type II. Also called: Mucolipidosis 2; ML 2; Inclusion cell disease; Leroy Disease; N-acetylglucosamine 1phosphotransferase deficiency; ML disorder type 2. Identifiers: Orphanet 576, MedGen C2673377, MONDO:0009650, OMIM 252500.

Allele frequency attached by ClinVar (database versions not stated): gnomAD exomes below 0.00001.
gnomAD v4.1: 1 of 1,363,268 alleles (0.000073%); highest among the groups gnomAD compares: Admixed American, 0.0017%; no homozygotes.

Submission:

Baylor Genetics
Classification: Uncertain significance for Mucolipidosis type II. Last evaluated: 2019-02-27. Review status: criteria provided, single submitter. Criteria: ACMG Guidelines, 2015. Collection method: clinical testing. Allele origin: maternal. Affected: yes.
Comment: This variant was determined to be of uncertain significance according to ACMG Guidelines, 2015 [PMID:25741868].